The following is an entry in ClinVar:

ClinVar aggregate classification (germline): Benign. Review status: criteria provided, multiple submitters, no conflicts (2 of 4 stars). 13 submissions from 12 submitters: Benign (10). 3 of the submissions do not count toward it. Last evaluated 2026-02-04.

Conditions:
Brain small vessel disease 1 with or without ocular anomalies (BSVD1). Also called: BRAIN SMALL VESSEL DISEASE WITH HEMORRHAGE; PORENCEPHALY, TYPE 1, AUTOSOMAL DOMINANT; GOULD SYNDROME 1; Brain small vessel disease with or without ocular anomalies. Identifiers: Orphanet 2940, Orphanet 36383, Orphanet 99810, MedGen C4755307, MONDO:0008289, OMIM 175780.
Autosomal dominant familial hematuria-retinal arteriolar tortuosity-contractures syndrome. Also called: Angiopathy, hereditary, with nephropathy, aneurysms, and muscle cramps; Hereditary Angiopathy with Nephropathy, Aneurysms, and Muscle Cramps (HANAC) Syndrome. Identifiers: Orphanet 73229, MedGen C2673195, MONDO:0012726, OMIM 611773.

Allele frequency attached by ClinVar (database versions not stated): 1000 Genomes Project 30x 0.31574; 1000 Genomes Project 0.31789; ESP Exome Variant Server 0.33592; TOPMed 0.33683; gnomAD 0.33737 and 0.33819; ExAC 0.35150; gnomAD exomes 0.35395 and 0.36221.
gnomAD v4.1: 580,300 of 1,613,290 alleles (36%); highest among the groups gnomAD compares: Admixed American, 38%; 105,546 homozygotes.

Submissions (13):

Labcorp Genetics (formerly Invitae), Labcorp
Classification: Benign. Last evaluated: 2026-02-04. Review status: criteria provided, single submitter. Criteria: Invitae Variant Classification Sherloc (09022015). Collection method: clinical testing. Allele origin: germline.

Blueprint Genetics
Classification: Benign. Last evaluated: 2024-11-27. Review status: criteria provided, single submitter. Criteria: ACMG Guidelines, 2015. Collection method: clinical testing. Allele origin: germline.

Mayo Clinic Laboratories, Mayo Clinic
Classification: Benign. Last evaluated: 2022-04-26. Review status: criteria provided, single submitter. Criteria: ACMG Guidelines, 2015. Collection method: clinical testing. Allele origin: germline. Observed: 664 variant alleles.

Athena Diagnostics
Classification: Benign. Last evaluated: 2021-06-02. Review status: criteria provided, single submitter. Criteria: Athena Diagnostics criteria. Collection method: clinical testing. Allele origin: unknown.

Illumina Laboratory Services, Illumina
Classification: Benign for Brain small vessel disease 1 with or without ocular anomalies. Last evaluated: 2018-01-13. Review status: criteria provided, single submitter. Criteria: ICSL Variant Classification Criteria 13 December 2019. Collection method: clinical testing. Allele origin: germline.
Comment: This variant was observed in the ICSL laboratory as part of a predisposition screen in an ostensibly healthy population. It had not been previously curated by ICSL or reported in the Human Gene Mutation Database (HGMD: prior to June 1st, 2018), and was therefore a candidate for classification through an automated scoring system. Utilizing variant allele frequency, disease prevalence and penetrance estimates, and inheritance mode, an automated score was calculated to assess if this variant is too frequent to cause the disease. Based on the score and internal cut-off values, a variant classified as benign is not then subjected to further curation. The score for this variant resulted in a classification of benign for this disease.

Illumina Laboratory Services, Illumina
Classification: Benign for Autosomal dominant familial hematuria-retinal arteriolar tortuosity-contractures syndrome. Last evaluated: 2018-01-13. Review status: criteria provided, single submitter. Criteria: ICSL Variant Classification Criteria 13 December 2019. Collection method: clinical testing. Allele origin: germline.
Comment: the same text as in the submission from Illumina Laboratory Services, Illumina above.

GeneDx
Classification: Benign. Last evaluated: 2017-07-19. Review status: criteria provided, single submitter. Criteria: GeneDx Variant Classification (06012015). Collection method: clinical testing. Allele origin: germline. Affected: yes.
Comment: This variant is considered likely benign or benign based on one or more of the following criteria: it is a conservative change, it occurs at a poorly conserved position in the protein, it is predicted to be benign by multiple in silico algorithms, and/or has population frequency not consistent with disease.

Eurofins Ntd Llc (ga)
Classification: Benign. Last evaluated: 2017-02-17. Review status: criteria provided, single submitter. Criteria: EGL Classification Definitions 2015. Collection method: clinical testing. Allele origin: germline. Observed: 1 variant allele, 1 heterozygote.

Breakthrough Genomics
Classification: Benign. Review status: criteria provided, single submitter. Criteria: ACMG Guidelines, 2015. Collection method: not provided. Allele origin: germline. Inheritance: Autosomal dominant inheritance. Affected: yes.

PreventionGenetics, part of Exact Sciences
Classification: Benign. Review status: criteria provided, single submitter. Criteria: ACMG Guidelines, 2015. Collection method: clinical testing. Allele origin: germline.

Clinical Genetics DNA and cytogenetics Diagnostics Lab, Erasmus MC, Erasmus Medical Center
Classification: Benign. Review status: no assertion criteria provided. Collection method: clinical testing. Allele origin: germline. Affected: yes. Study: VKGL Data-share Consensus. Not counted in ClinVar's aggregate classification.

Diagnostic Laboratory, Department of Genetics, University Medical Center Groningen
Classification: Benign. Review status: no assertion criteria provided. Collection method: clinical testing. Allele origin: germline. Affected: yes. Study: VKGL Data-share Consensus. Not counted in ClinVar's aggregate classification.

Joint Genome Diagnostic Labs from Nijmegen and Maastricht, Radboudumc and MUMC+
Classification: Benign. Review status: no assertion criteria provided. Collection method: clinical testing. Allele origin: germline. Affected: yes. Study: VKGL Data-share Consensus. Not counted in ClinVar's aggregate classification.

NM_001845.6(COL4A1):c.3189A>T (p.Arg1063=)

Gene: COL4A1 (collagen type IV alpha 1 chain; minus strand). Cytogenetic location: 13q34.
Variant type: single nucleotide variant.
Coding change: c.3189A>T on transcript NM_001845.6 (MANE Select); coding-DNA position 3189, A replaced by T.
Protein change: p.Arg1063=; no amino-acid change (arginine 1063 retained).
Molecular consequence: synonymous variant.
Genome position (GRCh38, 1-based): chr13:110,175,227, T>A on the plus strand (A>T on the coding strand, the complement: COL4A1 is on the minus strand). VCF-style: chr13-110175227-T-A. GRCh37 (hg19) VCF-style: chr13-110827574-T-A.
Other names: p.Arg1063=.
Identifiers: ClinVar variation 258251 (VCV000258251.31), dbSNP rs874203, ClinGen allele CA7047363.